The following is an entry in ClinVar:

NM_001204.7(BMPR2):c.1424C>A (p.Ser475Ter)

Gene: BMPR2 (bone morphogenetic protein receptor type 2; plus strand). Cytogenetic location: 2q33.2.
Variant type: single nucleotide variant.
Coding change: c.1424C>A on transcript NM_001204.7 (MANE Select); coding-DNA position 1424, C replaced by A.
Protein change: p.Ser475Ter; replaces serine 475 with a stop codon.
Molecular consequence: nonsense.
Genome position (GRCh38, 1-based): chr2:202,552,726, C>A. VCF-style: chr2-202552726-C-A. GRCh37 (hg19) VCF-style: chr2-203417449-C-A.
Other names: NM_001204.7(BMPR2):c.1424C>A; p.Ser475Ter; c.1424C>A, p.S475* (LRG_712t1); short protein forms S475*.
Identifiers: ClinVar variation 425943 (VCV000425943.4), dbSNP rs1085307352, ClinGen allele CA350344424.

ClinVar aggregate classification (germline): Pathogenic. Review status: reviewed by expert panel (3 of 4 stars). 3 submissions from 3 submitters: Pathogenic (1). 2 of the submissions do not count toward it. Last evaluated 2024-05-03.

Conditions:
Pulmonary hypertension, primary, 1 (PPH1). Also called: Pulmonary hypertension, familial primary, 1, with or without HHT. Identifiers: Orphanet 422, MedGen C4552070, MONDO:0024533, OMIM 178600.
Pulmonary arterial hypertension. Identifiers: Orphanet 182090, MedGen C2973725, MeSH D000081029, MONDO:0015924, HP:0002092.

Allele frequency attached by ClinVar (database versions not stated): gnomAD exomes below 0.00001.
gnomAD v4.1: 1 of 1,613,908 alleles (0.000062%); highest among the groups gnomAD compares: Non-Finnish European, 0.000085%; no homozygotes.

Submissions (3):

Clingen Pulmonary Hypertension Variant Curation Expert Panel, ClinGen
Classification: Pathogenic for Pulmonary arterial hypertension. Last evaluated: 2024-05-03. Review status: reviewed by expert panel. Criteria: ClinGen PH ACMG Specifications BMPR2 V1.1.0. Collection method: curation. Allele origin: germline. Inheritance: Autosomal dominant inheritance.
Comment: The BMPR2 c.1424C>A variant is a nonsense mutation in the kinase domain (exon 11 of 13). It is predicted to result in nonsense mediated mRNA decay, and therefore meets the criteria for PVS1. It is absent from gnomAD v2.1.1 (all samples), meeting PM2_supporting. There are three reports of this variant in the literature (PMIDs 16429395, 20534176 and 32581362). However, since PMID 16429395 summarized data from multiple countries, including the UK and French populations that were the subject of the later papers, it is not possible to determine if all three probands are independent. Thus conservatively, only counted 2 probands were counted (PS4_supporting). In summary, the variant meets the criteria to be classified as pathogenic for pulmonary arterial hypertension based on ACMG/AMP criteria applied, as specified by the ClinGen Pulmonary Hypertension VCEP: PVS1, PM2_supporting, PS4_supporting (VCEP specification version 1.1, 1/18/2024).

NIHR Bioresource Rare Diseases, University of Cambridge
Classification: Pathogenic for Pulmonary arterial hypertension. Review status: no assertion criteria provided. Collection method: research. Allele origin: unknown. Affected: yes. Observed: 1 variant allele. Not counted in ClinVar's aggregate classification.

Rare Disease Genomics Group, St George's University of London
Classification: Pathogenic for Primary pulmonary hypertension. Review status: no assertion criteria provided. Collection method: literature only. Allele origin: germline. Affected: yes. Not counted in ClinVar's aggregate classification.

Literature cited by the submitters: PubMed 32581362 (cited by NIHR Bioresource Rare Diseases, University of Cambridge); PubMed 16429395 (cited by Rare Disease Genomics Group, St George's University of London); PubMed 20534176 (cited by Rare Disease Genomics Group, St George's University of London).